The following is an entry in ClinVar:

NM_001267550.2(TTN):c.60786T>C (p.Pro20262=)

Genes: TTN-AS1 (TTN antisense RNA 1; plus strand), TTN (titin; minus strand). Cytogenetic location: 2q31.2.
Variant type: single nucleotide variant.
Coding change: c.60786T>C on transcript NM_001267550.2 (MANE Select); coding-DNA position 60786, T replaced by C.
Protein change: p.Pro20262=; no amino-acid change (proline 20262 retained).
Molecular consequence: synonymous variant.
Genome position (GRCh38, 1-based): chr2:178,590,939, A>G on the plus strand (T>C on the coding strand, the complement: TTN is on the minus strand). VCF-style: chr2-178590939-A-G. GRCh37 (hg19) VCF-style: chr2-179455666-A-G.
Other names: c.55863T>C, p.Pro18621= (NM_001256850.1); c.33591T>C, p.Pro11197= (NM_003319.4); c.53082T>C, p.Pro17694= (NM_133378.4); c.33966T>C, p.Pro11322= (NM_133432.3); c.34167T>C, p.Pro11389= (NM_133437.4).
Identifiers: ClinVar variation 592958 (VCV000592958.20), dbSNP rs1217782958, ClinGen allele CA430266263.

ClinVar aggregate classification (germline): Conflicting classifications of pathogenicity. Review status: criteria provided, conflicting classifications (1 of 4 stars). 5 submissions from 5 submitters: Uncertain significance (2); Likely benign (2). 1 of the submissions does not count toward it. Last evaluated 2025-12-15.

Conditions:
Cardiovascular phenotype. Identifiers: MedGen CN230736.
TTN-related disorder. Also called: TTN-related disorders; TTN-related condition; TTN-related disease.
Dilated cardiomyopathy 1G (CMD1G). Identifiers: Orphanet 154, MedGen C1858763, MONDO:0011400, OMIM 604145.
Autosomal recessive limb-girdle muscular dystrophy type 2J (LGMDR10). Also called: MUSCULAR DYSTROPHY, LIMB-GIRDLE, AUTOSOMAL RECESSIVE 10; Limb-girdle muscular dystrophy, type 2J. Identifiers: Orphanet 140922, MedGen C1837342, MONDO:0012127, OMIM 608807.

Allele frequency attached by ClinVar (database versions not stated): gnomAD exomes below 0.00001; gnomAD 0.00004; TOPMed 0.00004.
gnomAD v4.1: 10 of 1,613,202 alleles (0.00062%); highest among the groups gnomAD compares: African/African-American, 0.011%; no homozygotes.

Submissions (5):

Labcorp Genetics (formerly Invitae), Labcorp
Classification: Likely benign for Dilated cardiomyopathy 1G; Autosomal recessive limb-girdle muscular dystrophy type 2J. Last evaluated: 2025-12-15. Review status: criteria provided, single submitter. Criteria: Invitae Variant Classification Sherloc (09022015). Collection method: clinical testing. Allele origin: germline.

Ambry Genetics
Classification: Likely benign for Cardiovascular phenotype. Last evaluated: 2019-07-04. Review status: criteria provided, single submitter. Criteria: Ambry Variant Classification Scheme 2023. Collection method: clinical testing. Allele origin: germline.

Revvity Omics, Revvity
Classification: Uncertain significance. Last evaluated: 2019-04-18. Review status: criteria provided, single submitter. Criteria: ACMG Guidelines, 2015. Collection method: clinical testing. Allele origin: germline.

Eurofins Ntd Llc (ga)
Classification: Uncertain significance. Last evaluated: 2018-07-03. Review status: criteria provided, single submitter. Criteria: EGL ClinVar v180209 classification definitions. Collection method: clinical testing. Allele origin: germline. Observed: 2 variant alleles, 2 heterozygotes.

PreventionGenetics, part of Exact Sciences
Classification: Likely benign for TTN-related condition. Last evaluated: 2019-08-27. Review status: no assertion criteria provided. Collection method: clinical testing. Allele origin: germline. Not counted in ClinVar's aggregate classification.
Comment: This variant is classified as likely benign based on ACMG/AMP sequence variant interpretation guidelines (Richards et al. 2015 PMID: 25741868, with internal and published modifications).